The following is an entry in ClinVar:

ClinVar aggregate classification (germline): Uncertain significance (1 of 4 stars; one submission).

Conditions:
Intellectual developmental disorder, X-linked 1. Also called: Intellectual disability, X-linked 1; Atkin Flaitz Patil Smith syndrome; MENTAL RETARDATION, X-LINKED 18; MENTAL RETARDATION, X-LINKED 78. Identifiers: Orphanet 777, MedGen C2931498, MONDO:0010656, OMIM 309530.

Allele frequency attached by ClinVar (database versions not stated): gnomAD exomes 0.00001.
gnomAD v4.1: 13 of 1,209,268 alleles (0.0011%); highest among the groups gnomAD compares: Non-Finnish European, 0.0015%; no homozygotes.

Submission:

Labcorp Genetics (formerly Invitae), Labcorp
Classification: Uncertain significance for Intellectual developmental disorder, X-linked 1. Last evaluated: 2021-12-03. Review status: criteria provided, single submitter. Criteria: Invitae Variant Classification Sherloc (09022015). Collection method: clinical testing. Allele origin: germline.
Comment: This variant has not been reported in the literature in individuals affected with IQSEC2-related conditions. This sequence change replaces methionine, which is neutral and non-polar, with isoleucine, which is neutral and non-polar, at codon 363 of the IQSEC2 protein (p.Met363Ile). This variant is not present in population databases (gnomAD no frequency). Advanced modeling of protein sequence and biophysical properties (such as structural, functional, and spatial information, amino acid conservation, physicochemical variation, residue mobility, and thermodynamic stability) performed at Invitae indicates that this missense variant is expected to disrupt IQSEC2 protein function. In summary, the available evidence is currently insufficient to determine the role of this variant in disease. Therefore, it has been classified as a Variant of Uncertain Significance.

NM_001111125.3(IQSEC2):c.1089G>A (p.Met363Ile)

Gene: IQSEC2 (IQ motif and Sec7 domain ArfGEF 2; minus strand). Cytogenetic location: Xp11.22.
Variant type: single nucleotide variant.
Coding change: c.1089G>A on transcript NM_001111125.3 (MANE Select); coding-DNA position 1089, G replaced by A.
Protein change: p.Met363Ile; replaces methionine 363 with isoleucine.
Molecular consequence: missense variant.
Genome position (GRCh38, 1-based): chrX:53,254,842, C>T on the plus strand (G>A on the coding strand, the complement: IQSEC2 is on the minus strand). VCF-style: chrX-53254842-C-T. GRCh37 (hg19) VCF-style: chrX-53284024-C-T.
Other names: c.474G>A, p.Met158Ile (NM_015075.2); short protein forms M363I, M158I.
Identifiers: ClinVar variation 1497008 (VCV001497008.6), dbSNP rs2147122803, ClinGen allele CA413170270.
Genomic context (GRCh38, chrX:53,254,842, plus strand): 5'-GATGCGGCGGGACATGCGGCTCTCTGAGGCTGAGCTGCGTAGCCGCTCAAAGTTCTTGTT[C>T]ATGCGGTACTGGCGGAAGGCTGTCTGGATGGTCCTGGCAGCCCTGCGGCTCAGGAAGGAG-3'
Protein context (NP_001104595.1, residues 353-373): TIQTAFRQYR[Met363Ile]NKNFERLRSS